The following is an entry in ClinVar:

NM_006408.4(AGR2):c.331-1G>A

Gene: AGR2 (anterior gradient 2, protein disulphide isomerase family member; minus strand). Cytogenetic location: 7p21.1.
Variant type: single nucleotide variant.
Coding change: c.331-1G>A on transcript NM_006408.4 (MANE Select); the canonical splice acceptor site of the intron before coding-DNA position 331, G replaced by A.
Molecular consequence: splice acceptor variant.
Genome position (GRCh38, 1-based): chr7:16,797,695, C>T on the plus strand (G>A on the coding strand, the complement: AGR2 is on the minus strand). VCF-style: chr7-16797695-C-T. GRCh37 (hg19) VCF-style: chr7-16837319-C-T.
Identifiers: ClinVar variation 3041595 (VCV003041595.2), dbSNP rs2534646960, ClinGen allele CA366888672.

ClinVar aggregate classification (germline): Uncertain significance (0 of 4 stars; one submission).

Conditions:
AGR2-related disorder. Also called: AGR2-related condition.

Submission:

PreventionGenetics, part of Exact Sciences
Classification: Uncertain significance for AGR2-related condition. Last evaluated: 2024-02-16. Review status: no assertion criteria provided. Collection method: clinical testing. Allele origin: germline.
Comment: The AGR2 c.331-1G>A variant is predicted to disrupt the AG splice acceptor site and interfere with normal splicing. To our knowledge, this variant has not been reported in the literature or in a large population database, indicating this variant is rare. At this time, the clinical significance of this variant is uncertain due to the absence of conclusive functional and genetic evidence.